The following is an entry in ClinVar:

ClinVar aggregate classification (germline): Pathogenic (1 of 4 stars; one submission).

Conditions:
Congenital myasthenic syndrome 9. Also called: Myasthenic syndrome, congenital, 9, associated with acetylcholine receptor deficiency. Identifiers: Orphanet 590, MedGen C4225368, MONDO:0014587, OMIM 616325.
Fetal akinesia deformation sequence 1 (FADS1). Also called: Fetal akinesia sequence; Pena-Shokeir syndrome type I. Identifiers: Orphanet 994, MedGen C1276035, MONDO:0100101, OMIM 208150, HP:0001989.

Submission:

Labcorp Genetics (formerly Invitae), Labcorp
Classification: Pathogenic for Congenital myasthenic syndrome 9; Fetal akinesia deformation sequence 1. Last evaluated: 2018-06-04. Review status: criteria provided, single submitter. Criteria: Invitae Variant Classification Sherloc (09022015). Collection method: clinical testing. Allele origin: germline.
Comment: A gross deletion of the genomic region encompassing the full coding sequence of the MUSK gene has been identified. The boundaries of this event are unknown as the deletion extends beyond the assayed region for this gene and therefore may encompass additional genes. This variant has not been reported in the literature in individuals with MUSK-related disease. Loss-of-function variants in MUSK are known to be pathogenic (PMID: 25695962, 25900532). For these reasons, this variant has been classified as Pathogenic.

Literature cited by the submitters: PubMed 25695962; PubMed 25900532.

NC_000009.12:g.(?_110668885)_(110801008_?)del

Genes: MUSK (muscle associated receptor tyrosine kinase; plus strand), LOC124310625 (Sharpr-MPRA regulatory region 6532; plus strand), LOC126860730 (CDK7 strongly-dependent group 2 enhancer GRCh37_chr9:113544666-113545865; plus strand). Cytogenetic location: 9q31.3.
Variant type: Deletion.
Identifiers: ClinVar variation 583579 (VCV000583579.7).